The following is an entry in ClinVar:

NM_032776.3(JMJD1C):c.800A>G (p.Asn267Ser)

Gene: JMJD1C (jumonji domain containing 1C; minus strand). Cytogenetic location: 10q21.3.
Variant type: single nucleotide variant.
Coding change: c.800A>G on transcript NM_032776.3 (MANE Select); coding-DNA position 800, A replaced by G.
Protein change: p.Asn267Ser; replaces asparagine 267 with serine.
Molecular consequence: missense variant. On other transcripts: non-coding transcript variant (1), 5 prime UTR variant (1).
Genome position (GRCh38, 1-based): chr10:63,215,575, T>C on the plus strand (A>G on the coding strand, the complement: JMJD1C is on the minus strand). VCF-style: chr10-63215575-T-C. GRCh37 (hg19) VCF-style: chr10-64975335-T-C.
Other names: c.254A>G, p.Asn85Ser (NM_001282948.2, NM_001318154.2); c.-69A>G (NM_001318153.2); c.686A>G, p.Asn229Ser (NM_001322252.2); c.143A>G, p.Asn48Ser (NM_001322254.2, NM_001322258.2); short protein forms N267S, N229S, N48S, N85S.
Identifiers: ClinVar variation 460282 (VCV000460282.10), dbSNP rs369156176, ClinGen allele CA5518956.
Genomic context (GRCh38, chr10:63,215,575, plus strand): 5'-AATATTTTACAGAAATTCATCCCTAATAACATACATACGTGAACAGCGTTGACGTTTTGA[T>C]TGGCACGAGACCTGCGTCGTGATGTAATGCCAATATTTTCACCTTTTAACAAAGAGTGAA-3'
Protein context (NP_116165.1, residues 257-277): GITSRRRSRA[Asn267Ser]QNVNAVHSHY

ClinVar aggregate classification (germline): Uncertain significance (1 of 4 stars; one submission).

Conditions:
Early Myoclonic Encephalopathy. Identifiers: MedGen C0270855.

Allele frequency attached by ClinVar (database versions not stated): TOPMed 0.00002; gnomAD exomes 0.00005 and 0.00007; ExAC 0.00012; gnomAD 0.00001; ESP Exome Variant Server 0.00008.
gnomAD v4.1: 36 of 1,609,906 alleles (0.0022%); highest among the groups gnomAD compares: Non-Finnish European, 0.0022%; no homozygotes.

Submission:

Labcorp Genetics (formerly Invitae), Labcorp
Classification: Uncertain significance for Early Myoclonic Encephalopathy. Last evaluated: 2024-11-13. Review status: criteria provided, single submitter. Criteria: Invitae Variant Classification Sherloc (09022015). Collection method: clinical testing. Allele origin: germline.
Comment: This sequence change replaces asparagine, which is neutral and polar, with serine, which is neutral and polar, at codon 267 of the JMJD1C protein (p.Asn267Ser). This variant is present in population databases (rs369156176, gnomAD 0.01%). This variant has not been reported in the literature in individuals affected with JMJD1C-related conditions. ClinVar contains an entry for this variant (Variation ID: 460282). An algorithm developed to predict the effect of missense changes on protein structure and function outputs the following: PolyPhen-2: "Benign". The serine amino acid residue is found in multiple mammalian species, which suggests that this missense change does not adversely affect protein function. In summary, the available evidence is currently insufficient to determine the role of this variant in disease. Therefore, it has been classified as a Variant of Uncertain Significance.